The following is an entry in ClinVar:

ClinVar aggregate classification (germline): Benign/Likely benign. Review status: criteria provided, multiple submitters, no conflicts (2 of 4 stars). 3 submissions from 3 submitters: Benign (2); Likely benign (1). Last evaluated 2025-12-31.

Conditions:
Arginine:glycine amidinotransferase deficiency (CCDS3). Also called: AGAT deficiency; L-Arginine:Glycine Amidinotransferase (AGAT) Deficiency; Cerebral creatine deficiency syndrome 3; L-Arginine:Glycine Amidinotransferase Deficiency; Creatine deficiency syndrome due to AGAT deficiency; GATM deficiency. Identifiers: Orphanet 35704, MedGen C2675179, MONDO:0012996, OMIM 612718.
Fanconi renotubular syndrome 1. Also called: FRTS1; Toni-Debre-Fanconi syndrome; Neonatal De Toni-Debre-Fanconi syndrome; De Toni-Fanconi syndrome; LUDER-SHELDON SYNDROME. Identifiers: MedGen C4551503, MONDO:0024525, OMIM 134600.

Submissions (3):

Labcorp Genetics (formerly Invitae), Labcorp
Classification: Benign for Arginine:glycine amidinotransferase deficiency. Last evaluated: 2025-12-31. Review status: criteria provided, single submitter. Criteria: Invitae Variant Classification Sherloc (09022015). Collection method: clinical testing. Allele origin: germline.

Fulgent Genetics
Classification: Likely benign for Fanconi renotubular syndrome 1; Arginine:glycine amidinotransferase deficiency. Last evaluated: 2021-11-11. Review status: criteria provided, single submitter. Criteria: ACMG Guidelines, 2015. Collection method: clinical testing. Allele origin: unknown.

GeneDx
Classification: Benign. Last evaluated: 2014-04-15. Review status: criteria provided, single submitter. Criteria: GeneDx Variant Classification (06012015). Collection method: clinical testing. Allele origin: germline. Affected: yes.
Comment: The variant is found in EPILEPSY panel(s).

NM_001482.3(GATM):c.979-18dup

Gene: GATM (glycine amidinotransferase; minus strand). Cytogenetic location: 15q21.1.
Variant type: Duplication.
Coding change: c.979-18dup on transcript NM_001482.3 (MANE Select); 18 bases into the intron before coding-DNA position 979, one base duplicated (T; older notation c.979-18dupT).
Molecular consequence: intron variant.
Genome position (GRCh38, 1-based): chr15:45,364,871, A duplicated on the plus strand (T on the coding strand, the reverse complement: GATM is on the minus strand); the first of 8 consecutive A bases (chr15:45,364,871-45,364,878); duplicating any one gives the same sequence. VCF-style (leftmost placement, unchanged base first): chr15-45364870-C-CA. GRCh37 (hg19) VCF-style: chr15-45657068-C-CA.
Other names: c.979-11dup (NM_001482.3); c.592-18dup (NM_001321015.2).
Identifiers: ClinVar variation 205605 (VCV000205605.9), dbSNP rs202176047, ClinGen allele CA314854.